The following is an entry in ClinVar:

ClinVar aggregate classification (germline): Uncertain significance. Review status: criteria provided, multiple submitters, no conflicts (2 of 4 stars). 3 submissions from 3 submitters: Uncertain significance (3). Last evaluated 2025-12-22.

Conditions:
Muscular dystrophy-dystroglycanopathy (congenital with brain and eye anomalies), type A2. Also called: MUSCULAR DYSTROPHY-DYSTROGLYCANOPATHY (CONGENITAL WITH BRAIN AND EYE ANOMALIES), TYPE A, 2; WALKER-WARBURG SYNDROME OR MUSCLE-EYE-BRAIN DISEASE, POMT2-RELATED. Identifiers: Orphanet 588, Orphanet 899, MedGen C3150411, MONDO:0013154, OMIM 613150.
Muscular dystrophy-dystroglycanopathy (congenital with impaired intellectual development), type B, 2. Also called: Muscular dystrophy-dystroglycanopathy (congenital with intellectual disability), type B2; MUSCULAR DYSTROPHY, CONGENITAL, POMT2-RELATED. Identifiers: MedGen C3150416, MONDO:0013160, OMIM 613156.
Autosomal recessive limb-girdle muscular dystrophy type 2N. Also called: Muscular dystrophy-dystroglycanopathy (limb-girdle), type C, 2; MUSCULAR DYSTROPHY-DYSTROGLYCANOPATHY, LIMB-GIRDLE, POMT2-RELATED. Identifiers: Orphanet 206559, MedGen C3150418, MONDO:0013162, OMIM 613158.

Allele frequency attached by ClinVar (database versions not stated): gnomAD exomes 0.00004 and 0.00006; ExAC 0.00005; gnomAD 0.00016 and 0.00019; TOPMed 0.00019; ESP Exome Variant Server 0.00008.
gnomAD v4.1: 87 of 1,613,796 alleles (0.0054%); highest among the groups gnomAD compares: African/African-American, 0.049%; no homozygotes.

Submissions (3):

GeneDx
Classification: Uncertain significance. Last evaluated: 2025-12-22. Review status: criteria provided, single submitter. Criteria: GeneDx Variant Classification Process June 2021. Collection method: clinical testing. Allele origin: germline. Affected: yes.
Comment: In silico analysis suggests that this missense variant does not alter protein structure/function; Has not been previously published as pathogenic or benign to our knowledge

Labcorp Genetics (formerly Invitae), Labcorp
Classification: Uncertain significance for Muscular dystrophy-dystroglycanopathy (congenital with impaired intellectual development), type B, 2; Muscular dystrophy-dystroglycanopathy (congenital with brain and eye anomalies), type A2; Autosomal recessive limb-girdle muscular dystrophy type 2N. Last evaluated: 2022-09-16. Review status: criteria provided, single submitter. Criteria: Invitae Variant Classification Sherloc (09022015). Collection method: clinical testing. Allele origin: germline.
Comment: This sequence change replaces arginine, which is basic and polar, with glutamine, which is neutral and polar, at codon 466 of the POMT2 protein (p.Arg466Gln). This variant is present in population databases (rs138266415, gnomAD 0.03%). This variant has not been reported in the literature in individuals affected with POMT2-related conditions. ClinVar contains an entry for this variant (Variation ID: 471387). Advanced modeling of protein sequence and biophysical properties (such as structural, functional, and spatial information, amino acid conservation, physicochemical variation, residue mobility, and thermodynamic stability) performed at Invitae indicates that this missense variant is not expected to disrupt POMT2 protein function. In summary, the available evidence is currently insufficient to determine the role of this variant in disease. Therefore, it has been classified as a Variant of Uncertain Significance.

Revvity Omics, Revvity
Classification: Uncertain significance. Last evaluated: 2020-03-01. Review status: criteria provided, single submitter. Criteria: ACMG Guidelines, 2015. Collection method: clinical testing. Allele origin: germline.

NM_013382.7(POMT2):c.1397G>A (p.Arg466Gln)

Gene: POMT2 (protein O-mannosyltransferase 2; minus strand). Cytogenetic location: 14q24.3.
Variant type: single nucleotide variant.
Coding change: c.1397G>A on transcript NM_013382.7 (MANE Select); coding-DNA position 1397, G replaced by A.
Protein change: p.Arg466Gln; replaces arginine 466 with glutamine.
Molecular consequence: missense variant.
Genome position (GRCh38, 1-based): chr14:77,285,568, C>T on the plus strand (G>A on the coding strand, the complement: POMT2 is on the minus strand). VCF-style: chr14-77285568-C-T. GRCh37 (hg19) VCF-style: chr14-77751911-C-T.
Other names: short protein forms R466Q.
Identifiers: ClinVar variation 471387 (VCV000471387.52), dbSNP rs138266415, ClinGen allele CA7285861.